The following is an entry in ClinVar:

ClinVar aggregate classification (germline): Pathogenic. Review status: criteria provided, multiple submitters, no conflicts (2 of 4 stars). 6 submissions from 6 submitters: Pathogenic (4). 2 of the submissions do not count toward it. Last evaluated 2025-10-21.

Conditions:
Tay-Sachs disease (TSD). Also called: GM2 gangliosidosis, type 1; Hexosaminidase alpha-subunit deficiency (variant B); Sphingolipidosis, Tay-Sachs; Hexosaminidase A Deficiency; HEXA Disorders; HEXA DEFICIENCY. Identifiers: Orphanet 845, MedGen C0039373, MONDO:0010100, OMIM 272800.
Tay-sachs disease, juvenile/adult.

Allele frequency attached by ClinVar (database versions not stated): gnomAD exomes below 0.00001; ExAC 0.00001.
gnomAD v4.1: 7 of 1,586,148 alleles (0.00044%); highest among the groups gnomAD compares: Non-Finnish European, 0.00052%; no homozygotes.

Submissions (6):

Natera, Inc.
Classification: Pathogenic for Tay-Sachs disease. Last evaluated: 2025-10-21. Review status: criteria provided, single submitter. Criteria: Natera Variant Classification Schema (03/2026). Collection method: clinical testing. Allele origin: germline.
Comment: The c.672+1G>A variant in HEXA is a canonical splice donor site variant predicted to affect pre-mRNA splicing, which may result in an abnormal transcript and altered protein product. This variant is expected to result in nonsense mediated decay, truncation, or a dysfunctional protein product. This variant is rare in the general population with a frequency below the threshold expected for the associated phenotype(s). This variant has been observed in one or more individuals affected with the associated recessive disease, as either homozygous or compound heterozygous with a second variant (PMID: 14566483, 17015493). Given the available evidence, this variant is classified as Pathogenic.

Labcorp Genetics (formerly Invitae), Labcorp
Classification: Pathogenic for Tay-Sachs disease. Last evaluated: 2024-05-21. Review status: criteria provided, single submitter. Criteria: Invitae Variant Classification Sherloc (09022015). Collection method: clinical testing. Allele origin: germline.
Comment: This sequence change affects a donor splice site in intron 6 of the HEXA gene. RNA analysis indicates that disruption of this splice site induces altered splicing and likely results in a shortened protein product. This variant is present in population databases (rs387906311, gnomAD 0.0009%). Disruption of this splice site has been observed in individual(s) with clinical features of hexosaminidase A deficiency (PMID: 14566483, 17015493). ClinVar contains an entry for this variant (Variation ID: 3928). Studies have shown that disruption of this splice site results in skipping of exon 6, but is expected to preserve the integrity of the reading-frame (PMID: 8490625). For these reasons, this variant has been classified as Pathogenic.

Women's Health and Genetics/Laboratory Corporation of America, LabCorp
Classification: Pathogenic for Tay-Sachs disease. Last evaluated: 2020-10-21. Review status: criteria provided, single submitter. Criteria: LabCorp Variant Classification Summary - May 2015. Collection method: clinical testing. Allele origin: germline.
Comment: Variant summary: HEXA c.672+1G>A is located in a canonical splice-site and is predicted to affect mRNA splicing resulting in a significantly altered protein due to either exon skipping, shortening, or inclusion of intronic material. Several computational tools predict a significant impact on normal splicing: Four predict the variant abolishes a 5 splicing donor site. Consistent with this prediction, Akli et al report that this variant resulted in skipping of exon 6 and a reduction in HEXA mRNA levels by approximately 50% (Akli_1993). The variant allele was found at a frequency of 4e-06 in 251438 control chromosomes (gnomAD). c.672+1G>A has been reported in the literature in individuals affected with various forms (Juvenile/Adult, Late onset and Infantile acute) of Tay-Sachs Disease (Akli_1993, Maegawa_2007, Tanaka_2003). These data indicate that the variant may be associated with disease. Two ClinVar submitters (evaluation after 2014) cite the variant as pathogenic/likely pathogenic. Based on the evidence outlined above, the variant was classified as pathogenic.

GeneDx
Classification: Pathogenic. Last evaluated: 2016-12-20. Review status: criteria provided, single submitter. Criteria: GeneDx Variant Classification (06012015). Collection method: clinical testing. Allele origin: germline. Affected: yes.
Comment: The c.672+1 G>A splice site variant in the HEXA gene has been previously reported in a patient with Tay-Sachs disease in whom a second variant in HEXA was not identified (Akli et al. 1993). cDNA and Northern blot analyses found that c.672+1 G>A results in skipping of exon 6 and a 50% reduction in HEXA mRNA levels (Akli et al. 1993). The c.672+1 G> variant was not observed in approximately 6500 individuals of European and African American ancestry in the NHLBI Exome Sequencing Project, indicating it is not a common benign variant in these populations. We interpret c.672+1 G> to be a pathogenic variant.

Counsyl
Classification: Likely pathogenic for Tay-Sachs disease. Last evaluated: 2016-05-10. Review status: no assertion criteria provided. Collection method: clinical testing. Allele origin: unknown. Not counted in ClinVar's aggregate classification.

OMIM
Classification: Pathogenic for TAY-SACHS DISEASE, JUVENILE/ADULT. Last evaluated: 1993-01-01. Review status: no assertion criteria provided. Collection method: literature only. Allele origin: germline. Not counted in ClinVar's aggregate classification.

Literature cited by the submitters: PubMed 14566483 (cited by 3 submitters); PubMed 17015493 (cited by 4 submitters); PubMed 8490625 (cited by 4 submitters); PubMed 10571007 (cited by Women's Health and Genetics/Laboratory Corporation of America, LabCorp); PubMed 9090523 (cited by Women's Health and Genetics/Laboratory Corporation of America, LabCorp); PubMed 10464605 (cited by Women's Health and Genetics/Laboratory Corporation of America, LabCorp); PubMed 11596984 (cited by Women's Health and Genetics/Laboratory Corporation of America, LabCorp); PubMed 17237499 (cited by Women's Health and Genetics/Laboratory Corporation of America, LabCorp); PubMed 7858168 (cited by Counsyl).

NM_000520.6(HEXA):c.672+1G>A

Gene: HEXA (hexosaminidase subunit alpha; minus strand). Cytogenetic location: 15q23.
Variant type: single nucleotide variant.
Coding change: c.672+1G>A on transcript NM_000520.6 (MANE Select); the canonical splice donor site of the intron after coding-DNA position 672, G replaced by A.
Molecular consequence: splice donor variant.
Genome position (GRCh38, 1-based): chr15:72,351,132, C>T on the plus strand (G>A on the coding strand, the complement: HEXA is on the minus strand). VCF-style: chr15-72351132-C-T. GRCh37 (hg19) VCF-style: chr15-72643473-C-T.
Other names: c.705+1G>A (NM_001318825.2).
Identifiers: ClinVar variation 3928 (VCV000003928.18), dbSNP rs387906311, ClinGen allele CA116511.